The following is an entry in ClinVar:

ClinVar aggregate classification (germline): Uncertain significance. Review status: criteria provided, multiple submitters, no conflicts (2 of 4 stars). 3 submissions from 3 submitters: Uncertain significance (3). Last evaluated 2017-09-06.

Allele frequency attached by ClinVar (database versions not stated): gnomAD exomes 0.00012 and 0.00027; ExAC 0.00042; TOPMed 0.00119; gnomAD 0.00126 and 0.00133; ESP Exome Variant Server 0.00154; 1000 Genomes Project 0.00160; 1000 Genomes Project 30x 0.00172.
gnomAD v4.1: 387 of 1,612,944 alleles (0.024%); highest among the groups gnomAD compares: African/African-American, 0.37%; 1 homozygote.

Submissions (6):

Eurofins Ntd Llc (ga)
Classification: Uncertain significance. Last evaluated: 2017-09-06. Review status: criteria provided, single submitter. Criteria: EGL Classification Definitions 2015. Collection method: clinical testing. Allele origin: germline. Observed: 1 variant allele, 1 heterozygote.

GeneDx
Classification: Uncertain significance. Last evaluated: 2015-11-02. Review status: criteria provided, single submitter. Criteria: GeneDx Variant Classification (06012015). Collection method: clinical testing. Allele origin: germline. Affected: yes.
Comment: The c.1596+1G>T variant in the ASCC3 gene has not been reported previously as a pathogenic variant nor as a benign variant, to our knowledge. This splice site variant destroys the canonical splice donor site in intron 9. It is predicted to cause abnormal gene splicing, either leading to an abnormal message that is subject to nonsense-mediated mRNA decay, or to an abnormal protein product if the message is used for protein translation. Although not present in the homozygous state, the NHLBI ESP Exome Sequencing Project reports c.1596+1G>T was observed in 20/4406 alleles from individuals of African American background, indicating it may be a rare variant in this population.We interpret c.1596+1G>T as a variant of uncertain significance.

Breakthrough Genomics
Classification: Uncertain significance. Review status: criteria provided, single submitter. Criteria: ACMG Guidelines, 2015. Collection method: not provided. Allele origin: germline. Inheritance: Unknown mechanism. Affected: yes.

Dr. Peter K. Rogan Lab, Western University
No classification provided (evidence only). Condition: Lung cancer. Review status: no classification provided. Collection method: in vitro. Allele origin: not applicable. Functional consequence: retained intron. Not counted in ClinVar's aggregate classification.

Dr. Peter K. Rogan Lab, Western University
No classification provided (evidence only). Condition: Familial cancer of breast. Review status: no classification provided. Collection method: in vitro. Allele origin: not applicable. Functional consequence: retained intron. Not counted in ClinVar's aggregate classification.

Dr. Peter K. Rogan Lab, Western University
No classification provided (evidence only). Condition: Uterine corpus endometrial carcinoma. Review status: no classification provided. Collection method: in vitro. Allele origin: not applicable. Functional consequence: retained intron. Not counted in ClinVar's aggregate classification.

NM_006828.4(ASCC3):c.1596+1G>T

Gene: ASCC3 (activating signal cointegrator 1 complex subunit 3; minus strand). Cytogenetic location: 6q16.3.
Variant type: single nucleotide variant.
Coding change: c.1596+1G>T on transcript NM_006828.4 (MANE Select); the canonical splice donor site of the intron after coding-DNA position 1596, G replaced by T.
Molecular consequence: splice donor variant.
Genome position (GRCh38, 1-based): chr6:100,767,144, C>A on the plus strand (G>T on the coding strand, the complement: ASCC3 is on the minus strand). VCF-style: chr6-100767144-C-A. GRCh37 (hg19) VCF-style: chr6-101215020-C-A.
Other names: NC_000006.11:g.101215020C>A; c.1596+1G>T (NM_001284271.2).
Identifiers: ClinVar variation 448985 (VCV000448985.7), dbSNP rs145890655, ClinGen allele CA3938778.